The following is an entry in ClinVar:

ClinVar aggregate classification (germline): Pathogenic/Likely pathogenic. Review status: criteria provided, multiple submitters, no conflicts (2 of 4 stars). 8 submissions from 8 submitters: Pathogenic (3); Likely pathogenic (2). 3 of the submissions do not count toward it. Last evaluated 2025-10-21.

Conditions:
Monogenic short statue.
Laron-type isolated somatotropin defect. Also called: Growth hormone binding protein deficiency or dysfunction; Growth hormone receptor deficiency or dysfunction; Laron dwarfism; Laron type pituitary dwarfism I; GROWTH HORMONE RECEPTOR DEFICIENCY; Laron Syndrome. Identifiers: Orphanet 633, MedGen C0271568, MONDO:0009877, OMIM 262500.
GHR-related disorder. Also called: GHR-related condition.

Allele frequency attached by ClinVar (database versions not stated): gnomAD exomes 0.00001.
gnomAD v4.1: 12 of 1,602,190 alleles (0.00075%); highest among the groups gnomAD compares: South Asian, 0.013%; no homozygotes.

Submissions (8):

NHS Central & South Genomic Laboratory Hub
Classification: Likely pathogenic for Monogenic short statue. Last evaluated: 2025-10-21. Review status: criteria provided, single submitter. Criteria: ACMG Guidelines, 2015. Collection method: clinical testing. Allele origin: germline. Affected: yes.

Labcorp Genetics (formerly Invitae), Labcorp
Classification: Pathogenic. Last evaluated: 2023-11-24. Review status: criteria provided, single submitter. Criteria: Invitae Variant Classification Sherloc (09022015). Collection method: clinical testing. Allele origin: germline.
Comment: This sequence change replaces aspartic acid, which is acidic and polar, with histidine, which is basic and polar, at codon 170 of the GHR protein (p.Asp170His). This variant is present in population databases (rs121909366, gnomAD 0.01%). This missense change has been observed in individuals with Laron dwarfism (PMID: 8137822). It has also been observed to segregate with disease in related individuals. ClinVar contains an entry for this variant (Variation ID: 8653). Advanced modeling of protein sequence and biophysical properties (such as structural, functional, and spatial information, amino acid conservation, physicochemical variation, residue mobility, and thermodynamic stability) performed at Invitae indicates that this missense variant is expected to disrupt GHR protein function with a positive predictive value of 80%. Experimental studies have shown that this missense change affects GHR function (PMID: 25101218). This variant disrupts the p.Asp170 amino acid residue in GHR. Other variant(s) that disrupt this residue have been determined to be pathogenic (PMID: 15055350). This suggests that this residue is clinically significant, and that variants that disrupt this residue are likely to be disease-causing. For these reasons, this variant has been classified as Pathogenic.

Dubai Health Genomic Medicine Center, Dubai Health
Classification: Pathogenic. Last evaluated: 2022-12-17. Review status: criteria provided, single submitter. Criteria: ACMG Guidelines, 2015. Collection method: clinical testing. Allele origin: germline. Affected: yes.

3billion
Classification: Likely pathogenic for Laron-type isolated somatotropin defect. Last evaluated: 2022-03-22. Review status: criteria provided, single submitter. Criteria: ACMG Guidelines, 2015. Collection method: clinical testing. Allele origin: germline. Affected: yes. Observed: 1 homozygote.
Comment: Same nucleotide change resulting in same amino acid change has been previously reported to be associated with GHR related disorder (ClinVar ID: VCV000008653, PMID:8137822). The variant was co-segregated with Laron dwarfism in multiple affected family members (PMID: 8137822). Different pathogenic/likely pathogenic amino acid change has been reported with supporting evidence at the same codon (PMID:15055350). In silico tool predictions suggest damaging effect of the variant on gene or gene product (REVEL: 0.794>=0.6, 3CNET: 0.799>=0.75). A missense variant is a common mechanism associated with Laron dwarfism. It is observed at an extremely low frequency in the gnomAD v2.1.1 dataset (total allele frequency: 0.0000120). herefore, this variant is classified as likely pathogenic according to the recommendation of ACMG/AMP guideline.

Blueprint Genetics
Classification: Pathogenic for GHR-related disorders. Last evaluated: 2019-12-11. Review status: criteria provided, single submitter. Criteria: ACMG Guidelines, 2015. Collection method: clinical testing. Allele origin: germline. Affected: yes. Observed: 5 variant alleles.

Clinical Molecular Genetics Laboratory, Johns Hopkins All Children's Hospital
Classification: Pathogenic for Laron-type isolated somatotropin defect. Last evaluated: 2010-12-07. Review status: no assertion criteria provided. Collection method: clinical testing. Allele origin: germline. Affected: yes. Not counted in ClinVar's aggregate classification.

OMIM
Classification: Pathogenic for LARON SYNDROME. Last evaluated: 1998-12-01. Review status: no assertion criteria provided. Collection method: literature only. Allele origin: germline. Not counted in ClinVar's aggregate classification.

GeneDx
Classification: Uncertain significance. Last evaluated: 2024-11-27. Review status: flagged submission. Criteria: GeneDx Variant Classification Process June 2021. Collection method: clinical testing. Allele origin: germline. Affected: yes. Not counted in ClinVar's aggregate classification.
Comment: In silico analysis supports that this missense variant has a deleterious effect on protein structure/function; This variant is associated with the following publications: (PMID: 8137822, 9851797, 36703223, 37780997, 24833397)
ClinVar note: Reason: Outlier claim with insufficient supporting evidence

Literature cited by the submitters: PubMed 8137822 (cited by Labcorp Genetics (formerly Invitae), Labcorp and 3billion); PubMed 25101218 (cited by Labcorp Genetics (formerly Invitae), Labcorp); PubMed 15055350 (cited by Labcorp Genetics (formerly Invitae), Labcorp and 3billion); PubMed 9851797 (cited by OMIM).

NM_000163.5(GHR):c.508G>C (p.Asp170His)

Gene: GHR (growth hormone receptor; plus strand). Cytogenetic location: 5p12.
Variant type: single nucleotide variant.
Coding change: c.508G>C on transcript NM_000163.5 (MANE Select); coding-DNA position 508, G replaced by C.
Protein change: p.Asp170His; replaces aspartic acid 170 with histidine.
Molecular consequence: missense variant.
Genome position (GRCh38, 1-based): chr5:42,699,892, G>C. VCF-style: chr5-42699892-G-C. GRCh37 (hg19) VCF-style: chr5-42699994-G-C.
Other names: D152H; c.529G>C, p.Asp177His (NM_001242399.2); c.508G>C, p.Asp170His (NM_001242400.2, NM_001242401.4, NM_001242402.2 and 5 more transcripts); c.442G>C, p.Asp148His (NM_001242460.2); short protein forms D170H, D177H, D148H.
Identifiers: ClinVar variation 8653 (VCV000008653.9), dbSNP rs121909366, ClinGen allele CA119811.